The following is an entry in ClinVar:

ClinVar aggregate classification (germline): Conflicting classifications of pathogenicity. Review status: criteria provided, conflicting classifications (1 of 4 stars). 5 submissions from 5 submitters: Likely pathogenic (1); Uncertain significance (1); Benign (1); Likely benign (1). 1 of the submissions does not count toward it. Last evaluated 2022-10-01.

Conditions:
Spondyloepiphyseal dysplasia tarda (SEDT). Also called: SPONDYLOEPIPHYSEAL DYSPLASIA, LATE. Identifiers: Orphanet 93284, MedGen CN033239, MONDO:0019667.

Allele frequency attached by ClinVar (database versions not stated): ExAC 0.00028; TOPMed 0.00032; gnomAD 0.00033 and 0.00034; gnomAD exomes 0.00039 and 0.00048.
gnomAD v4.1: 231 of 511,094 alleles (0.045%); highest among the groups gnomAD compares: Non-Finnish European, 0.068%; no homozygotes.

Submissions (5):

CeGaT Center for Human Genetics Tuebingen
Classification: Likely benign. Last evaluated: 2022-10-01. Review status: criteria provided, single submitter. Criteria: CeGaT Center For Human Genetics Tuebingen Variant Classification Criteria Version 2. Collection method: clinical testing. Allele origin: germline. Affected: yes. Observed: 1 variant allele.
Comment: TRAPPC2: BS2

Mendelics
Classification: Uncertain significance. Last evaluated: 2022-05-04. Review status: criteria provided, single submitter. Criteria: Mendelics Assertion Criteria 2019. Collection method: clinical testing. Allele origin: germline.

Illumina Laboratory Services, Illumina
Classification: Benign for Spondyloepiphyseal dysplasia tarda, X-linked. Last evaluated: 2018-01-12. Review status: criteria provided, single submitter. Criteria: ICSL Variant Classification Criteria 13 December 2019. Collection method: clinical testing. Allele origin: germline.
Comment: This variant was observed in the ICSL laboratory as part of a predisposition screen in an ostensibly healthy population. It had not been previously curated by ICSL or reported in the Human Gene Mutation Database (HGMD: prior to June 1st, 2018), and was therefore a candidate for classification through an automated scoring system. Utilizing variant allele frequency, disease prevalence and penetrance estimates, and inheritance mode, an automated score was calculated to assess if this variant is too frequent to cause the disease. Based on the score and internal cut-off values, a variant classified as benign is not then subjected to further curation. The score for this variant resulted in a classification of benign for this disease.

Equipe Genetique des Anomalies du Developpement, Université de Bourgogne
Classification: Likely pathogenic for Spondyloepiphyseal dysplasia tarda, X-linked. Last evaluated: 2016-01-04. Review status: criteria provided, single submitter. Criteria: ACMG Guidelines, 2015. Collection method: clinical testing. Allele origin: inherited. Affected: yes.

Knight Diagnostic Laboratories, Oregon Health and Sciences University
Classification: Likely pathogenic for Spondyloepiphyseal dysplasia tarda. Last evaluated: 2014-09-08. Review status: no assertion criteria provided. Criteria: ACMG Guidelines, 2007. Collection method: clinical testing. Allele origin: germline. Inheritance: X-linked inheritance. Affected: no. Not counted in ClinVar's aggregate classification.

NM_001011658.4(TRAPPC2):c.-97G>A

Genes: OFD1 (OFD1 centriole and centriolar satellite protein; plus strand), TRAPPC2 (trafficking protein particle complex subunit 2; minus strand). Cytogenetic location: Xp22.2.
Variant type: single nucleotide variant.
Coding change: c.-97G>A on transcript NM_001011658.4 (MANE Select); 97 bases upstream of the start codon, G replaced by A.
Molecular consequence: 5 prime UTR variant. On other transcripts: nonsense (1), intron variant (1).
Genome position (GRCh38, 1-based): chrX:13,734,121, C>T on the plus strand (G>A on the coding strand, the complement: TRAPPC2 is on the minus strand). VCF-style: chrX-13734121-C-T. GRCh37 (hg19) VCF-style: chrX-13752240-C-T.
Other names: c.12G>A, p.Trp4Ter (NM_001128835.3); c.-20+404G>A (NM_014563.6); short protein forms W4*.
Identifiers: ClinVar variation 212743 (VCV000212743.32), dbSNP rs746032983, ClinGen allele CA277290.